The following is an entry in ClinVar:

NM_015335.5(MED13L):c.2056A>C (p.Lys686Gln)

Gene: MED13L (mediator complex subunit 13L; minus strand). Cytogenetic location: 12q24.21.
Variant type: single nucleotide variant.
Coding change: c.2056A>C on transcript NM_015335.5 (MANE Select); coding-DNA position 2056, A replaced by C.
Protein change: p.Lys686Gln; replaces lysine 686 with glutamine.
Molecular consequence: missense variant.
Genome position (GRCh38, 1-based): chr12:116,007,593, T>G on the plus strand (A>C on the coding strand, the complement: MED13L is on the minus strand). VCF-style: chr12-116007593-T-G. GRCh37 (hg19) VCF-style: chr12-116445398-T-G.
Other names: short protein forms K686Q.
Identifiers: ClinVar variation 415967 (VCV000415967.42), dbSNP rs139048741, ClinGen allele CA6811253.

ClinVar aggregate classification (germline): Benign/Likely benign. Review status: criteria provided, multiple submitters, no conflicts (2 of 4 stars). 6 submissions from 6 submitters: Benign (2); Likely benign (2). 2 of the submissions do not count toward it. Last evaluated 2025-12-21.

Conditions:
Dextro-looped transposition of the great arteries. Also called: Dextrotransposition of the great arteries. Identifiers: Orphanet 860, MedGen C3531771, MONDO:0019443, OMIM 608808, HP:0031348.

Allele frequency attached by ClinVar (database versions not stated): 1000 Genomes Project 30x 0.00047; 1000 Genomes Project 0.00060; ESP Exome Variant Server 0.00092; gnomAD 0.00118 and 0.00126; gnomAD exomes 0.00155 and 0.00166; ExAC 0.00201.

Submissions (6):

Labcorp Genetics (formerly Invitae), Labcorp
Classification: Benign for Dextro-looped transposition of the great arteries. Last evaluated: 2025-12-21. Review status: criteria provided, single submitter. Criteria: Invitae Variant Classification Sherloc (09022015). Collection method: clinical testing. Allele origin: germline.

CeGaT Center for Human Genetics Tuebingen
Classification: Likely benign. Last evaluated: 2025-03-01. Review status: criteria provided, single submitter. Criteria: CeGaT Center For Human Genetics Tuebingen Variant Classification Criteria Version 2. Collection method: clinical testing. Allele origin: germline. Affected: yes. Observed: 5 variant alleles.
Comment: MED13L: BP4, BS1

Blueprint Genetics
Classification: Likely benign. Last evaluated: 2024-10-28. Review status: criteria provided, single submitter. Criteria: ACMG Guidelines, 2015. Collection method: clinical testing. Allele origin: germline.

GeneDx
Classification: Benign. Last evaluated: 2021-02-09. Review status: criteria provided, single submitter. Criteria: GeneDx Variant Classification Process June 2021. Collection method: clinical testing. Allele origin: germline. Affected: yes.

Clinical Genetics DNA and cytogenetics Diagnostics Lab, Erasmus MC, Erasmus Medical Center
Classification: Likely benign. Review status: no assertion criteria provided. Collection method: clinical testing. Allele origin: germline. Affected: yes. Study: VKGL Data-share Consensus. Not counted in ClinVar's aggregate classification.

Laboratory of Diagnostic Genome Analysis, Leiden University Medical Center (LUMC)
Classification: Likely benign. Review status: no assertion criteria provided. Collection method: clinical testing. Allele origin: germline. Affected: yes. Study: VKGL Data-share Consensus. Not counted in ClinVar's aggregate classification.